The following is an entry in ClinVar:

NC_000019.10:g.(?_46605817)_(46756948_?)dup

Genes: CALM3 (calmodulin 3; plus strand), DACT3 (dishevelled binding antagonist of beta catenin 3; minus strand), FKRP (fukutin related protein; plus strand), GNG8 (G protein subunit gamma 8; minus strand), PRKD2 (protein kinase D2; minus strand) and 2 more. Cytogenetic location: 19q13.32.
Variant type: Duplication.
Identifiers: ClinVar variation 830903 (VCV000830903.1).

ClinVar aggregate classification (germline): Uncertain significance (1 of 4 stars; one submission).

Conditions:
Walker-Warburg congenital muscular dystrophy. Also called: Muscular dystrophy-dystroglycanopathy, type A; Walker-Warburg syndrome. Identifiers: Orphanet 899, MedGen C0265221, MONDO:0000171.

Submission:

Labcorp Genetics (formerly Invitae), Labcorp
Classification: Uncertain significance for Walker-Warburg congenital muscular dystrophy. Last evaluated: 2019-08-27. Review status: criteria provided, single submitter. Criteria: Invitae Variant Classification Sherloc (09022015). Collection method: clinical testing. Allele origin: germline.
Comment: This variant results in a copy number gain of the genomic region encompassing the full coding sequence of the FKRP gene. The boundaries of this event are unknown as they extend beyond the assayed region for this gene and therefore may encompass additional genes. As the precise location of this event is unknown, it may be in tandem or it may be located elsewhere in the genome. This variant has not been reported in the literature in individuals with FKRP-related conditions. In summary, the available evidence is currently insufficient to determine the role of this variant in disease. Therefore, it has been classified as a Variant of Uncertain Significance.